The following is an entry in ClinVar:

ClinVar aggregate classification (germline): Conflicting classifications of pathogenicity. Review status: criteria provided, conflicting classifications (1 of 4 stars). 9 submissions from 9 submitters: Uncertain significance (7); Likely benign (2). Last evaluated 2026-07-07.

Conditions:
SMARCA4-related disorder. Also called: SMARCA4-related condition.
Intellectual disability, autosomal dominant 16 (CSS4). Also called: COFFIN-SIRIS SYNDROME 4. Identifiers: Orphanet 1465, MedGen C3553249, MONDO:0013821, OMIM 614609.
Rhabdoid tumor predisposition syndrome 2 (RTPS2). Identifiers: Orphanet 231108, Orphanet 69077, MedGen C2750074, MONDO:0013224, OMIM 613325.
Hereditary cancer-predisposing syndrome. Also called: Hereditary Cancer Syndrome; Hereditary neoplastic syndrome; Neoplastic Syndromes, Hereditary; Tumor predisposition. Identifiers: Orphanet 140162, MedGen C0027672, MeSH D009386, MONDO:0015356.

Allele frequency attached by ClinVar (database versions not stated): TOPMed 0.00002; ExAC 0.00003; gnomAD 0.00001; gnomAD exomes 0.00004.
gnomAD v4.1: 62 of 1,613,432 alleles (0.0038%); highest among the groups gnomAD compares: Middle Eastern, 0.016%; no homozygotes.

Submissions (9):

Myriad Genetics, Inc.
Classification: Likely benign for Rhabdoid tumor predisposition syndrome 2. Last evaluated: 2026-07-07. Review status: criteria provided, single submitter. Criteria: Myriad Autosomal Dominant, Autosomal Recessive and X-Linked Classification Criteria (2023). Collection method: clinical testing. Allele origin: unknown.
Comment: This variant is considered likely benign. This variant has been observed at a population frequency that is significantly greater than expected given the associated disease prevalence and penetrance.

PreventionGenetics, part of Exact Sciences
Classification: Uncertain significance for SMARCA4-related condition. Last evaluated: 2026-06-04. Review status: criteria provided, single submitter. Criteria: ACMG Guidelines, 2015. Collection method: clinical testing. Allele origin: germline.
Comment: The SMARCA4 c.2021C>T variant is predicted to result in the amino acid substitution p.Pro674Leu. This variant was reported in a large neurodevelopmental disorder cohort; however, detailed clinical information was not available (Table S1, Valencia et al. 2023. PubMed ID: 37500730). This variant is reported in 0.0070% of alleles in individuals of European (Non-Finnish) descent in gnomAD. At this time, the clinical significance of this variant is uncertain due to the absence of conclusive functional and genetic evidence.

Labcorp Genetics (formerly Invitae), Labcorp
Classification: Uncertain significance for Rhabdoid tumor predisposition syndrome 2. Last evaluated: 2026-01-19. Review status: criteria provided, single submitter. Criteria: Invitae Variant Classification Sherloc (09022015). Collection method: clinical testing. Allele origin: germline.
Comment: This sequence change replaces proline, which is neutral and non-polar, with leucine, which is neutral and non-polar, at codon 674 of the SMARCA4 protein (p.Pro674Leu). This variant is present in population databases (rs747463080, gnomAD 0.007%). This variant has not been reported in the literature in individuals affected with SMARCA4-related conditions. ClinVar contains an entry for this variant (Variation ID: 408611). Invitae Evidence Modeling of protein sequence and biophysical properties (such as structural, functional, and spatial information, amino acid conservation, physicochemical variation, residue mobility, and thermodynamic stability) indicates that this missense variant is not expected to disrupt SMARCA4 protein function with a negative predictive value of 80%. In summary, the available evidence is currently insufficient to determine the role of this variant in disease. Therefore, it has been classified as a Variant of Uncertain Significance.

GeneDx
Classification: Uncertain significance. Last evaluated: 2025-10-09. Review status: criteria provided, single submitter. Criteria: GeneDx Variant Classification Process June 2021. Collection method: clinical testing. Allele origin: germline.
Comment: Reported previously in patients with neurodevelopmental disorders; however, no further clinical or segregation information was provided (PMID: 37500730); In silico analysis suggests that this missense variant does not alter protein structure/function; This variant is associated with the following publications: (PMID: 37500730)

Baylor Genetics
Classification: Uncertain significance for Rhabdoid tumor predisposition syndrome 2. Last evaluated: 2023-08-02. Review status: criteria provided, single submitter. Criteria: ACMG Guidelines, 2015. Collection method: clinical testing. Allele origin: unknown.

Ambry Genetics
Classification: Likely benign for Hereditary cancer-predisposing syndrome. Last evaluated: 2022-07-29. Review status: criteria provided, single submitter. Criteria: Ambry Variant Classification Scheme 2023. Collection method: clinical testing. Allele origin: germline.

Institute for Clinical Genetics, University Hospital TU Dresden, University Hospital TU Dresden
Classification: Uncertain significance. Last evaluated: 2021-11-03. Review status: criteria provided, single submitter. Criteria: ACMG Guidelines, 2015. Collection method: clinical testing. Allele origin: germline.

Genome-Nilou Lab
Classification: Uncertain significance for Intellectual disability, autosomal dominant 16. Last evaluated: 2021-07-15. Review status: criteria provided, single submitter. Criteria: ACMG Guidelines, 2015. Collection method: clinical testing. Allele origin: germline. Affected: no.

Sema4
Classification: Uncertain significance for Hereditary cancer-predisposing syndrome. Last evaluated: 2021-07-12. Review status: criteria provided, single submitter. Criteria: Sema4 Curation Guidelines. Collection method: curation. Allele origin: germline.
Comment: The SMARCA4 c.2021C>T (p.P674L) variant has not been reported in the literature to our knowledge. Computational analyses and evolutionary conservation data do not provide strong support for or against an impact to the protein, however these predictions have not been confirmed by published functional studies. This variant was observed in 11/282526 chromosomes from a large and broad populations by the Genome Aggregation Database (PMID: 32461654). The variant has been reported in ClinVar (Variation ID: 408611). The overall evidence is insufficient to meet ACMG/AMP criteria for classifying it as benign or pathogenic. In summary, the clinical significance of this variant is currently uncertain.

NM_003072.5(SMARCA4):c.2021C>T (p.Pro674Leu)

Gene: SMARCA4 (SWI/SNF related BAF chromatin remodeling complex subunit ATPase 4; plus strand). Cytogenetic location: 19p13.2.
Variant type: single nucleotide variant.
Coding change: c.2021C>T on transcript NM_003072.5 (MANE Select); coding-DNA position 2021, C replaced by T.
Protein change: p.Pro674Leu; replaces proline 674 with leucine.
Molecular consequence: missense variant. On other transcripts: non-coding transcript variant (1).
Genome position (GRCh38, 1-based): chr19:11,007,921, C>T. VCF-style: chr19-11007921-C-T. GRCh37 (hg19) VCF-style: chr19-11118597-C-T.
Other names: c.2021C>T, p.Pro674Leu (NM_001128844.3, NM_001128845.2, NM_001128846.2 and 5 more transcripts); short protein forms P674L.
Identifiers: ClinVar variation 408611 (VCV000408611.24), dbSNP rs747463080, ClinGen allele CA9203990.